The following is an entry in ClinVar:

NC_000016.10:g.92726del

Genes: HBA-LCR (alpha-globin locus control region; plus strand), NPRL3 (NPR3 like, GATOR1 complex subunit; minus strand). Cytogenetic location: 16p13.3.
Variant type: Deletion.
Genome position: GRCh38 VCF-style: chr16-92724-AC-A. GRCh37 (hg19) VCF-style: chr16-142722-AC-A.
Identifiers: ClinVar variation 1069552 (VCV001069552.7), dbSNP rs2141908063, ClinGen allele CA2499223889.

ClinVar aggregate classification (germline): Pathogenic (1 of 4 stars; one submission).

Conditions:
Epilepsy, familial focal, with variable foci 3 (FFEVF3). Identifiers: MedGen C4310708, MONDO:0014925, OMIM 617118.

Submission:

Labcorp Genetics (formerly Invitae), Labcorp
Classification: Pathogenic for Epilepsy, familial focal, with variable foci 3. Last evaluated: 2024-10-30. Review status: criteria provided, single submitter. Criteria: Invitae Variant Classification Sherloc (09022015). Collection method: clinical testing. Allele origin: germline.
Comment: This sequence change creates a premature translational stop signal (p.Tyr345Thrfs*68) in the NPRL3 gene. It is expected to result in an absent or disrupted protein product. Loss-of-function variants in NPRL3 are known to be pathogenic (PMID: 26285051, 26505888). This variant is not present in population databases (gnomAD no frequency). This variant has not been reported in the literature in individuals affected with NPRL3-related conditions. ClinVar contains an entry for this variant (Variation ID: 1069552). Algorithms developed to predict the effect of sequence changes on RNA splicing suggest that this variant may disrupt the consensus splice site. For these reasons, this variant has been classified as Pathogenic.

Literature cited by the submitters: PubMed 26285051; PubMed 26505888.